The following is an entry in ClinVar:

ClinVar aggregate classification (germline): Conflicting classifications of pathogenicity. Review status: criteria provided, conflicting classifications (1 of 4 stars). 11 submissions from 11 submitters: Uncertain significance (9); Likely benign (1). 1 of the submissions does not count toward it. Last evaluated 2026-06-04.

Conditions:
Hereditary cancer-predisposing syndrome. Also called: Neoplastic Syndromes, Hereditary; Hereditary Cancer Syndrome; Tumor predisposition; Hereditary neoplastic syndrome. Identifiers: Orphanet 140162, MedGen C0027672, MeSH D009386, MONDO:0015356.
STK11-related disorder. Also called: STK11-related condition.
Peutz-Jeghers syndrome (PJS). Also called: Peutz-Jeghers polyposis; Periorificial lentiginosis syndrome; POLYPOSIS, HAMARTOMATOUS INTESTINAL; POLYPS-AND-SPOTS SYNDROME. Identifiers: Orphanet 2869, MedGen C0031269, MeSH D010580, MONDO:0008280, OMIM 175200.

gnomAD v4.1: 11 of 1,562,610 alleles (0.0007%); highest among the groups gnomAD compares: South Asian, 0.0047%; no homozygotes.

Submissions (11):

Ambry Genetics
Classification: Uncertain significance for Hereditary cancer-predisposing syndrome. Last evaluated: 2026-06-04. Review status: criteria provided, single submitter. Criteria: Ambry Variant Classification Scheme 2023. Collection method: clinical testing. Allele origin: germline.
Comment: The p.A420T variant (also known as c.1258G>A), located in coding exon 9 of the STK11 gene, results from a G to A substitution at nucleotide position 1258. The alanine at codon 420 is replaced by threonine, an amino acid with similar properties. This amino acid position is not well conserved in available vertebrate species, and threonine is the reference amino acid in other vertebrate species. In addition, this alteration is predicted to be tolerated by in silico analysis. Based on the available evidence, the clinical significance of this variant remains unclear.

Color Diagnostics, LLC DBA Color Health
Classification: Likely benign for Hereditary cancer-predisposing syndrome. Last evaluated: 2025-11-25. Review status: criteria provided, single submitter. Criteria: ACMG Guidelines, 2015. Collection method: clinical testing. Allele origin: germline.

Labcorp Genetics (formerly Invitae), Labcorp
Classification: Uncertain significance for Peutz-Jeghers syndrome. Last evaluated: 2025-08-11. Review status: criteria provided, single submitter. Criteria: Invitae Variant Classification Sherloc (09022015). Collection method: clinical testing. Allele origin: germline.
Comment: This sequence change replaces alanine, which is neutral and non-polar, with threonine, which is neutral and polar, at codon 420 of the STK11 protein (p.Ala420Thr). The frequency data for this variant in the population databases is considered unreliable, as metrics indicate poor data quality at this position in the gnomAD database. This missense change has been observed in individual(s) with ovarian cancer, who was suspected of having Peutz-Jeghers syndrome (PMID: 19145097). ClinVar contains an entry for this variant (Variation ID: 237794). Invitae Evidence Modeling of protein sequence and biophysical properties (such as structural, functional, and spatial information, amino acid conservation, physicochemical variation, residue mobility, and thermodynamic stability) indicates that this missense variant is not expected to disrupt STK11 protein function with a negative predictive value of 95%. In summary, the available evidence is currently insufficient to determine the role of this variant in disease. Therefore, it has been classified as a Variant of Uncertain Significance.

Center for Genomic Medicine, Rigshospitalet, Copenhagen University Hospital
Classification: Uncertain significance. Last evaluated: 2025-03-04. Review status: criteria provided, single submitter. Criteria: ACMG Guidelines, 2015. Collection method: clinical testing. Allele origin: germline.

Department of Pathology and Laboratory Medicine, Sinai Health System
Classification: Uncertain significance for Peutz-Jeghers syndrome. Last evaluated: 2024-03-11. Review status: criteria provided, single submitter. Criteria: ACMG Guidelines, 2015. Collection method: clinical testing. Allele origin: germline. Affected: yes.

Genome-Nilou Lab
Classification: Uncertain significance for Peutz-Jeghers syndrome. Last evaluated: 2021-07-15. Review status: criteria provided, single submitter. Criteria: ACMG Guidelines, 2015. Collection method: clinical testing. Allele origin: germline. Affected: no.

Quest Diagnostics Nichols Institute San Juan Capistrano
Classification: Uncertain significance. Last evaluated: 2019-08-21. Review status: criteria provided, single submitter. Criteria: Quest Diagnostics criteria. Collection method: clinical testing. Allele origin: germline.

Revvity Omics, Revvity
Classification: Uncertain significance for Peutz-Jeghers syndrome. Last evaluated: 2019-03-04. Review status: criteria provided, single submitter. Criteria: ACMG Guidelines, 2015. Collection method: clinical testing. Allele origin: germline.

GeneDx
Classification: Uncertain significance. Last evaluated: 2018-06-14. Review status: criteria provided, single submitter. Criteria: GeneDx Variant Classification (06012015). Collection method: clinical testing. Allele origin: germline. Affected: yes.
Comment: This variant is denoted STK11 c.1258G>A at the cDNA level, p.Ala420Thr (A420T) at the protein level, and results in the change of an Alanine to a Threonine (GCC>ACC). This variant has been reported in an individual suspected of having Peutz-Jeghers syndrome (Heinritz 2008). STK11 Ala420Thr was not observed in large population cohorts (Lek 2016). Since Alanine and Threonine differ in polarity, charge, size or other properties, this is considered a non-conservative amino acid substitution. STK11 Ala420Thr is not located in a known functional domain. In silico analysis, which includes protein predictors and evolutionary conservation, supports that this variant does not alter protein structure/function. Based on currently available evidence, it is unclear whether STK11 Ala420Thr is a pathogenic or benign variant. We consider it to be a variant of uncertain significance.

Laboratory for Molecular Medicine, Mass General Brigham Personalized Medicine
Classification: Uncertain significance. Last evaluated: 2016-10-26. Review status: criteria provided, single submitter. Criteria: LMM Criteria. Collection method: clinical testing. Allele origin: germline.
Comment: Variant identified in a genome or exome case(s) and assessed due to predicted null impact of the variant or pathogenic assertions in the literature or databases. Disclaimer: This variant has not undergone full assessment. The following are preliminary notes: This variant has been reported in HGMD in a patient with Peutz-Jeghers (no access to paper). It is present in ExAC at a MaxMAF of 0.1% (1/948). AA is not conserved - 5 mammals and 15 non-mammals have a Thr at this position. Predicted to be benign by multiple prediction tools.

PreventionGenetics, part of Exact Sciences
Classification: Uncertain significance for STK11-related condition. Last evaluated: 2024-08-18. Review status: no assertion criteria provided. Collection method: clinical testing. Allele origin: germline. Not counted in ClinVar's aggregate classification.
Comment: The STK11 c.1258G>A variant is predicted to result in the amino acid substitution p.Ala420Thr. This variant was reported in an individual with an ovarian tumor that was suspected of having Peutz-Jeghers syndrome (Heinritz et al. 2008. PubMed ID: 19145097). This variant is reported in 0.0085% of alleles in individuals of East Asian descent in gnomAD and is classified as a variant of uncertain significance in ClinVar. At this time, the clinical significance of this variant is uncertain due to the absence of conclusive functional and genetic evidence.

Literature cited by the submitters: PubMed 19145097 (cited by 5 submitters).

NM_000455.5(STK11):c.1258G>A (p.Ala420Thr)

Gene: STK11 (serine/threonine kinase 11; plus strand). Cytogenetic location: 19p13.3.
Variant type: single nucleotide variant.
Coding change: c.1258G>A on transcript NM_000455.5 (MANE Select); coding-DNA position 1258, G replaced by A.
Protein change: p.Ala420Thr; replaces alanine 420 with threonine.
Molecular consequence: missense variant.
Genome position (GRCh38, 1-based): chr19:1,226,603, G>A. VCF-style: chr19-1226603-G-A. GRCh37 (hg19) VCF-style: chr19-1226602-G-A.
Other names: short protein forms A420T.
Identifiers: ClinVar variation 237794 (VCV000237794.36), dbSNP rs762482152, ClinGen allele CA046152.